The following is an entry in ClinVar:

NM_000539.3(RHO):c.711G>T (p.Gln237His)

Gene: RHO (rhodopsin; plus strand). Cytogenetic location: 3q22.1.
Variant type: single nucleotide variant.
Coding change: c.711G>T on transcript NM_000539.3 (MANE Select); coding-DNA position 711, G replaced by T.
Protein change: p.Gln237His; replaces glutamine 237 with histidine.
Molecular consequence: missense variant.
Genome position (GRCh38, 1-based): chr3:129,532,547, G>T. VCF-style: chr3-129532547-G-T. GRCh37 (hg19) VCF-style: chr3-129251390-G-T.
Other names: short protein forms Q237H.
Identifiers: ClinVar variation 2872741 (VCV002872741.3), dbSNP rs374550929, ClinGen allele CA82620740.
Genomic context (GRCh38, chr3:129,532,547, plus strand): 5'-CTCCCTGGAGGAGCCATGGTCTGGACCCGGGTCCCGTGTCCTGCAGGCCGCTGCCCAGCA[G>T]CAGGAGTCAGCCACCACACAGAAGGCAGAGAAGGAGGTCACCCGCATGGTCATCATCATG-3'
Protein context (NP_000530.1, residues 227-247): VFTVKEAAAQ[Gln237His]QESATTQKAE

ClinVar aggregate classification (germline): Uncertain significance (1 of 4 stars; one submission).

Allele frequency attached by ClinVar (database versions not stated): gnomAD 0.00003; TOPMed 0.00001; ESP Exome Variant Server 0.00008.

Submission:

Labcorp Genetics (formerly Invitae), Labcorp
Classification: Uncertain significance. Last evaluated: 2025-10-08. Review status: criteria provided, single submitter. Criteria: Invitae Variant Classification Sherloc (09022015). Collection method: clinical testing. Allele origin: germline.
Comment: This sequence change replaces glutamine, which is neutral and polar, with histidine, which is basic and polar, at codon 237 of the RHO protein (p.Gln237His). This variant is present in population databases (rs374550929, gnomAD 0.008%). This variant has not been reported in the literature in individuals affected with RHO-related conditions. ClinVar contains an entry for this variant (Variation ID: 2872741). Invitae Evidence Modeling of protein sequence and biophysical properties (such as structural, functional, and spatial information, amino acid conservation, physicochemical variation, residue mobility, and thermodynamic stability) has been performed for this missense variant. However, the output from this modeling did not meet the statistical confidence thresholds required to predict the impact of this variant on RHO protein function. In summary, the available evidence is currently insufficient to determine the role of this variant in disease. Therefore, it has been classified as a Variant of Uncertain Significance.